The following is an entry in ClinVar:

ClinVar aggregate classification (germline): Uncertain significance (1 of 4 stars; one submission).

Submission:

Labcorp Genetics (formerly Invitae), Labcorp
Classification: Uncertain significance. Last evaluated: 2023-10-05. Review status: criteria provided, single submitter. Criteria: Invitae Variant Classification Sherloc (09022015). Collection method: clinical testing. Allele origin: germline.
Comment: This sequence change replaces lysine, which is basic and polar, with isoleucine, which is neutral and non-polar, at codon 82 of the IL23R protein (p.Lys82Ile). This variant is not present in population databases (gnomAD no frequency). This variant has not been reported in the literature in individuals affected with IL23R-related conditions. An algorithm developed to predict the effect of missense changes on protein structure and function (PolyPhen-2) suggests that this variant is likely to be disruptive. In summary, the available evidence is currently insufficient to determine the role of this variant in disease. Therefore, it has been classified as a Variant of Uncertain Significance.

NM_144701.3(IL23R):c.245A>T (p.Lys82Ile)

Gene: IL23R (interleukin 23 receptor; plus strand). Cytogenetic location: 1p31.3.
Variant type: single nucleotide variant.
Coding change: c.245A>T on transcript NM_144701.3 (MANE Select); coding-DNA position 245, A replaced by T.
Protein change: p.Lys82Ile; replaces lysine 82 with isoleucine.
Molecular consequence: missense variant.
Genome position (GRCh38, 1-based): chr1:67,169,516, A>T. VCF-style: chr1-67169516-A-T. GRCh37 (hg19) VCF-style: chr1-67635199-A-T.
Other names: short protein forms K82I.
Identifiers: ClinVar variation 2765733 (VCV002765733.3), dbSNP rs2525203281, ClinGen allele CA340732490.
Genomic context (GRCh38, chr1:67,169,516, plus strand): 5'-GGAAACTTCATTTTTATAAAAATGGCATCAAAGAAAGATTTCAAATCACAAGGATTAATA[A>T]AACAACAGCTCGGCTTTGGTATAAAAACTTTCTGGAACCACATGCTTCTATGTACTGCAC-3'
Protein context (NP_653302.2, residues 72-92): KERFQITRIN[Lys82Ile]TTARLWYKNF